The following is an entry in ClinVar:

ClinVar aggregate classification (germline): Pathogenic/Likely pathogenic. Review status: criteria provided, multiple submitters, no conflicts (2 of 4 stars). 3 submissions from 3 submitters: Pathogenic (2); Likely pathogenic (1). Last evaluated 2024-05-22.

Conditions:
Cyclical neutropenia. Also called: Cyclic Neutropenia; Cyclic hematopoiesis. Identifiers: Orphanet 2686, MedGen C0221023, MONDO:0008090, OMIM 162800, HP:0040289. Disease mechanism: loss of function.
Neutropenia, severe congenital, 1, autosomal dominant. Identifiers: MedGen C1859966, MONDO:0042490, OMIM 202700.
ELANE-related disorders.

Submissions (3):

Labcorp Genetics (formerly Invitae), Labcorp
Classification: Pathogenic for Neutropenia, severe congenital, 1, autosomal dominant; Cyclical neutropenia. Last evaluated: 2024-05-22. Review status: criteria provided, single submitter. Criteria: Invitae Variant Classification Sherloc (09022015). Collection method: clinical testing. Allele origin: germline.
Comment: This sequence change replaces leucine, which is neutral and non-polar, with proline, which is neutral and non-polar, at codon 47 of the ELANE protein (p.Leu47Pro). This variant is not present in population databases (gnomAD no frequency). This missense change has been observed in individuals with cyclic neutropenia and/or severe congenital neutropenia (SCN) (PMID: 14962902, 23463630, 34340247). This variant is also known as 1858T>C (L18P). ClinVar contains an entry for this variant (Variation ID: 242289). Advanced modeling of protein sequence and biophysical properties (such as structural, functional, and spatial information, amino acid conservation, physicochemical variation, residue mobility, and thermodynamic stability) performed at Invitae indicates that this missense variant is expected to disrupt ELANE protein function with a positive predictive value of 95%. Experimental studies are conflicting or provide insufficient evidence to determine the effect of this variant on ELANE function (PMID: 24184683). This variant disrupts the p.Leu47 amino acid residue in ELANE. Other variant(s) that disrupt this residue have been observed in individuals with ELANE-related conditions (PMID: 23463630), which suggests that this may be a clinically significant amino acid residue. For these reasons, this variant has been classified as Pathogenic.

Blueprint Genetics
Classification: Likely pathogenic for ELANE-related disorders. Last evaluated: 2020-02-20. Review status: criteria provided, single submitter. Criteria: ACMG Guidelines, 2015. Collection method: clinical testing. Allele origin: germline. Affected: yes. Observed: 1 variant allele.

GeneDx
Classification: Pathogenic. Last evaluated: 2015-04-15. Review status: criteria provided, single submitter. Criteria: GeneDx Variant Classification (06012015). Collection method: clinical testing. Allele origin: germline. Affected: yes.
Comment: The L47P missense mutation in exon 2 of ELA2 has been reported previously (as L18P) in association with congenital neutropenia (Bellanne-Chantelot et al., 2004). The L47P mutation was not observed in approximately 6,300 individuals of European and African American ancestry in the NHLBI Exome Sequencing Project, indicating it is not a common benign variant in these populations.

Literature cited by the submitters: PubMed 14962902 (cited by Labcorp Genetics (formerly Invitae), Labcorp); PubMed 23463630 (cited by Labcorp Genetics (formerly Invitae), Labcorp); PubMed 34340247 (cited by Labcorp Genetics (formerly Invitae), Labcorp); PubMed 24184683 (cited by Labcorp Genetics (formerly Invitae), Labcorp).

NM_001972.4(ELANE):c.140T>C (p.Leu47Pro)

Gene: ELANE (elastase, neutrophil expressed; plus strand). Cytogenetic location: 19p13.3.
Variant type: single nucleotide variant.
Coding change: c.140T>C on transcript NM_001972.4 (MANE Select); coding-DNA position 140, T replaced by C.
Protein change: p.Leu47Pro; replaces leucine 47 with proline.
Molecular consequence: missense variant.
Genome position (GRCh38, 1-based): chr19:852,948, T>C. VCF-style: chr19-852948-T-C. GRCh37 (hg19) VCF-style: chr19-852948-T-C.
Other names: c.140T>C (LRG_57t1); short protein forms L47P.
Identifiers: ClinVar variation 242289 (VCV000242289.14), dbSNP rs878855319, ClinGen allele CA10583960.